The following is an entry in ClinVar:

ClinVar aggregate classification (germline): Uncertain significance. Review status: criteria provided, multiple submitters, no conflicts (2 of 4 stars). 2 submissions from 2 submitters: Uncertain significance (2). Last evaluated 2021-08-28.

Conditions:
Long QT syndrome (LQTS). Identifiers: MedGen C0023976, MeSH D008133, MONDO:0002442. Disease mechanism: loss of function. Inheritance: Various modes of inheritance.
Atrial fibrillation, familial, 3 (ATFB3). Identifiers: MedGen C1837014, MONDO:0011857, OMIM 607554.
Short QT syndrome type 2. Identifiers: Orphanet 51083, MedGen C1865019, MONDO:0012313, OMIM 609621.
Beckwith-Wiedemann syndrome (BWS). Also called: Exomphalos macroglossia gigantism syndrome; EMG SYNDROME. Identifiers: Orphanet 116, MedGen C0004903, MONDO:0007534, OMIM 130650.
Long QT syndrome 1 (LQT1). Identifiers: Orphanet 101016, Orphanet 768, MedGen C4551647, MONDO:0100316, OMIM 192500, MONDO:0008646.
Jervell and Lange-Nielsen syndrome 1 (JLNS1). Also called: PROLONGED QT INTERVAL IN EKG AND SUDDEN DEATH; SURDO-CARDIAC SYNDROME; CARDIOAUDITORY SYNDROME OF JERVELL AND LANGE-NIELSEN; DEAFNESS, CONGENITAL, AND FUNCTIONAL HEART DISEASE. Identifiers: Orphanet 768, Orphanet 90647, MedGen C4551509, MONDO:0024540, OMIM 220400.

Submissions (2):

Labcorp Genetics (formerly Invitae), Labcorp
Classification: Uncertain significance for Long QT syndrome. Last evaluated: 2021-08-28. Review status: criteria provided, single submitter. Criteria: Invitae Variant Classification Sherloc (09022015). Collection method: clinical testing. Allele origin: germline.
Comment: This sequence change replaces alanine with threonine at codon 384 of the KCNQ1 protein (p.Ala384Thr). The alanine residue is moderately conserved and there is a small physicochemical difference between alanine and threonine. This variant is not present in population databases (ExAC no frequency). This variant has not been reported in the literature in individuals affected with KCNQ1-related conditions. Algorithms developed to predict the effect of missense changes on protein structure and function output the following: SIFT: "Tolerated"; PolyPhen-2: "Benign"; Align-GVGD: "Class C0". The threonine amino acid residue is found in multiple mammalian species, which suggests that this missense change does not adversely affect protein function. In summary, the available evidence is currently insufficient to determine the role of this variant in disease. Therefore, it has been classified as a Variant of Uncertain Significance.

Fulgent Genetics
Classification: Uncertain significance for Beckwith-Wiedemann syndrome; Long QT syndrome 1; Jervell and Lange-Nielsen syndrome 1; Atrial fibrillation, familial, 3; Short QT syndrome type 2. Last evaluated: 2021-08-23. Review status: criteria provided, single submitter. Criteria: ACMG Guidelines, 2015. Collection method: clinical testing. Allele origin: unknown.

NM_000218.3(KCNQ1):c.1150G>A (p.Ala384Thr)

Gene: KCNQ1 (potassium voltage-gated channel subfamily Q member 1; plus strand). Cytogenetic location: 11p15.5.
Variant type: single nucleotide variant.
Coding change: c.1150G>A on transcript NM_000218.3 (MANE Select); coding-DNA position 1150, G replaced by A.
Protein change: p.Ala384Thr; replaces alanine 384 with threonine.
Molecular consequence: missense variant.
Genome position (GRCh38, 1-based): chr11:2,587,591, G>A. VCF-style: chr11-2587591-G-A. GRCh37 (hg19) VCF-style: chr11-2608821-G-A.
Other names: c.1054G>A, p.Ala352Thr (NM_001406836.1); c.880G>A, p.Ala294Thr (NM_001406837.1); c.610G>A, p.Ala204Thr (NM_001406838.1); c.769G>A, p.Ala257Thr (NM_181798.2); short protein forms A384T, A257T, A352T, A204T, A294T.
Identifiers: ClinVar variation 842623 (VCV000842623.9), dbSNP rs1848610150, ClinGen allele CA379134681.